The following is an entry in ClinVar:

ClinVar aggregate classification (germline): Conflicting classifications of pathogenicity. Review status: criteria provided, conflicting classifications (1 of 4 stars). 4 submissions from 4 submitters: Uncertain significance (3); Likely benign (1). Last evaluated 2026-03-18.

Conditions:
KIF1A-related disorder. Also called: KIF1A-related disorders; KIF1A-related condition.
Inborn genetic diseases. Identifiers: MedGen C0950123, MeSH D030342.
Neuropathy, hereditary sensory, type 2C. Also called: Hereditary sensory and autonomic neuropathy type IIC; KIF1A-Related HSAN2 (HSAN2C). Identifiers: Orphanet 970, MedGen C3280168, MONDO:0013634, OMIM 614213.
Intellectual disability, autosomal dominant 9 (NESCAVS). Also called: NESCAV SYNDROME; KIF1A-Related Neurodevelopmental Disorder. Identifiers: Orphanet 662367, MedGen C5393830, MONDO:0013656, OMIM 614255.
Hereditary spastic paraplegia 30. Identifiers: Orphanet 101010, MedGen C5235139, MONDO:0012476.

Allele frequency attached by ClinVar (database versions not stated): gnomAD exomes 0.00002 and 0.00011; TOPMed 0.00005; gnomAD 0.00006 and 0.00007.
gnomAD v4.1: 163 of 1,581,566 alleles (0.01%); highest among the groups gnomAD compares: East Asian, 0.077%; no homozygotes.

Submissions (4):

PreventionGenetics, part of Exact Sciences
Classification: Uncertain significance for KIF1A-related condition. Last evaluated: 2026-03-18. Review status: criteria provided, single submitter. Criteria: ACMG Guidelines, 2015. Collection method: clinical testing. Allele origin: germline.
Comment: The KIF1A c.3898G>A variant is predicted to result in the amino acid substitution p.Val1300Met. This variant has been reported in the compound heterozygous state in an individual with hereditary sensory neuropathy type II (Hosokawa et al. 2020. PubMed ID: 31734026). This variant is reported in 0.0058% of alleles in individuals of European (Non-Finnish) descent in gnomAD. Although we suspect that this variant may be pathogenic, at this time, the clinical significance of this variant is uncertain due to the absence of conclusive functional and genetic evidence.

Labcorp Genetics (formerly Invitae), Labcorp
Classification: Likely benign for Hereditary spastic paraplegia 30; Neuropathy, hereditary sensory, type 2C; Intellectual disability, autosomal dominant 9. Last evaluated: 2024-10-23. Review status: criteria provided, single submitter. Criteria: Invitae Variant Classification Sherloc (09022015). Collection method: clinical testing. Allele origin: germline.

Ambry Genetics
Classification: Uncertain significance for Inborn genetic diseases. Last evaluated: 2017-05-05. Review status: criteria provided, single submitter. Criteria: Ambry Variant Classification Scheme 2023. Collection method: clinical testing. Allele origin: germline.
Comment: The p.V1199M variant (also known as c.3595G>A), located in coding exon 34 of the KIF1A gene, results from a G to A substitution at nucleotide position 3595. The valine at codon 1199 is replaced by methionine, an amino acid with highly similar properties. This amino acid position is well conserved in available vertebrate species. In addition, the in silico prediction for this alteration is inconclusive. Since supporting evidence is limited at this time, the clinical significance of this variant remains unclear.

Genetic Services Laboratory, University of Chicago
Classification: Uncertain significance. Last evaluated: 2014-11-26. Review status: criteria provided, single submitter. Criteria: ACMG Guidelines, 2015. Collection method: clinical testing. Allele origin: germline.

NM_001244008.2(KIF1A):c.3898G>A (p.Val1300Met)

Genes: KIF1A (kinesin family member 1A; minus strand), LOC126806583 (P300/CBP strongly-dependent group 1 enhancer GRCh37_chr2:241678910-241680109; plus strand). Cytogenetic location: 2q37.3.
Variant type: single nucleotide variant.
Coding change: c.3898G>A on transcript NM_001244008.2 (MANE Select); coding-DNA position 3898, G replaced by A.
Protein change: p.Val1300Met; replaces valine 1300 with methionine.
Molecular consequence: missense variant.
Genome position (GRCh38, 1-based): chr2:240,740,061, C>T on the plus strand (G>A on the coding strand, the complement: KIF1A is on the minus strand). VCF-style: chr2-240740061-C-T. GRCh37 (hg19) VCF-style: chr2-241679478-C-T.
Other names: c.3622G>A, p.Val1208Met (NM_001320705.2, NM_001330289.2, NM_001379638.1); c.3697G>A, p.Val1233Met (NM_001330290.2, NM_001379634.1, NM_001379635.1 and 1 more transcripts); c.3973G>A, p.Val1325Met (NM_001379631.1); c.3847G>A, p.Val1283Met (NM_001379632.1); c.3871G>A, p.Val1291Met (NM_001379633.1, NM_001379642.1, NM_001379645.1); c.3595G>A, p.Val1199Met (NM_001379636.1, NM_001379639.1, NM_001379641.1 and 5 more transcripts); c.3670G>A, p.Val1224Met (NM_001379637.1, NM_001379648.1); c.3592G>A, p.Val1198Met (NM_001379640.1); and 1 more; short protein forms V1199M, V1300M, V1208M, V1233M, V1198M, V1224M, V1283M, V1291M.
Identifiers: ClinVar variation 211286 (VCV000211286.19), dbSNP rs797045652, ClinGen allele CA209076.